The following is an entry in ClinVar:

NM_001148.6(ANK2):c.6628G>A (p.Val2210Ile)

Gene: ANK2 (ankyrin 2; plus strand). Cytogenetic location: 4q26.
Variant type: single nucleotide variant.
Coding change: c.6628G>A on transcript NM_001148.6 (MANE Select); coding-DNA position 6628, G replaced by A.
Protein change: p.Val2210Ile; replaces valine 2210 with isoleucine.
Molecular consequence: missense variant. On other transcripts: intron variant (68).
Genome position (GRCh38, 1-based): chr4:113,355,246, G>A. VCF-style: chr4-113355246-G-A. GRCh37 (hg19) VCF-style: chr4-114276402-G-A.
Other names: c.6394G>A, p.Val2132Ile (NM_001386142.1); c.3028G>A, p.Val1010Ile (NM_001386166.1); c.6769G>A, p.Val2257Ile (NM_001386174.1); c.6745G>A, p.Val2249Ile (NM_001386175.1); c.4411+4997G>A (NM_001386186.2, NM_001386148.2); c.4213+4997G>A (NM_001354269.3); c.4291+4997G>A (NM_001386187.2); c.4252+4997G>A (NM_001386147.1); and 35 more; short protein forms V2210I, V1010I, V2132I, V2249I, V2257I.
Identifiers: ClinVar variation 2156466 (VCV002156466.5), dbSNP rs370296970, ClinGen allele CA103813570.
Genomic context (GRCh38, chr4:113,355,246, plus strand): 5'-GCTCTGTCTTTACAAAGCGGTGCTTTAGATGGCAGTTCTGAAAGCCTAAAGAATGAGGGG[G>A]TAGCCGGCTCTCCGTGTGGCAGCCTGATGGAGGGGACCCCTCAGATTAGTTCAGAAGAAA-3'
Protein context (NP_001139.3, residues 2200-2220): GSSESLKNEG[Val2210Ile]AGSPCGSLME

ClinVar aggregate classification (germline): Conflicting classifications of pathogenicity. Review status: criteria provided, conflicting classifications (1 of 4 stars). 2 submissions from 2 submitters: Uncertain significance (1); Likely benign (1). Last evaluated 2024-06-12.

Conditions:
Long QT syndrome (LQTS). Identifiers: MedGen C0023976, MeSH D008133, MONDO:0002442. Disease mechanism: loss of function. Inheritance: Various modes of inheritance.
Cardiovascular phenotype. Identifiers: MedGen CN230736.

Allele frequency attached by ClinVar (database versions not stated): gnomAD exomes below 0.00001; TOPMed below 0.00001.
gnomAD v4.1: 4 of 1,614,098 alleles (0.00025%); highest among the groups gnomAD compares: Non-Finnish European, 0.00034%; no homozygotes.

Submissions (2):

Ambry Genetics
Classification: Likely benign for Cardiovascular phenotype. Last evaluated: 2024-06-12. Review status: criteria provided, single submitter. Criteria: Ambry Variant Classification Scheme 2023. Collection method: clinical testing. Allele origin: germline.

Labcorp Genetics (formerly Invitae), Labcorp
Classification: Uncertain significance for Long QT syndrome. Last evaluated: 2022-04-04. Review status: criteria provided, single submitter. Criteria: Invitae Variant Classification Sherloc (09022015). Collection method: clinical testing. Allele origin: germline.
Comment: In summary, the available evidence is currently insufficient to determine the role of this variant in disease. Therefore, it has been classified as a Variant of Uncertain Significance. This sequence change replaces valine, which is neutral and non-polar, with isoleucine, which is neutral and non-polar, at codon 2210 of the ANK2 protein (p.Val2210Ile). This variant is not present in population databases (gnomAD no frequency). This variant has not been reported in the literature in individuals affected with ANK2-related conditions. Algorithms developed to predict the effect of missense changes on protein structure and function output the following: SIFT: "Tolerated"; PolyPhen-2: "Benign"; Align-GVGD: "Class C0". The isoleucine amino acid residue is found in multiple mammalian species, which suggests that this missense change does not adversely affect protein function.